The following is an entry in ClinVar:

ClinVar aggregate classification (germline): Uncertain significance (1 of 4 stars; one submission).

Submission:

GeneDx
Classification: Uncertain significance. Last evaluated: 2026-04-28. Review status: criteria provided, single submitter. Criteria: GeneDx Variant Classification Process June 2021. Collection method: clinical testing. Allele origin: germline.
Comment: Not observed at significant frequency in large population cohorts (gnomAD); In silico analysis supports that this missense variant has a deleterious effect on protein structure/function; Has not been previously published as pathogenic or benign to our knowledge

NM_000240.4(MAOA):c.1444C>T (p.Pro482Ser)

Gene: MAOA (monoamine oxidase A; plus strand). Cytogenetic location: Xp11.3.
Variant type: single nucleotide variant.
Coding change: c.1444C>T on transcript NM_000240.4 (MANE Select); coding-DNA position 1444, C replaced by T.
Protein change: p.Pro482Ser; replaces proline 482 with serine.
Molecular consequence: missense variant.
Genome position (GRCh38, 1-based): chrX:43,744,373, C>T. VCF-style: chrX-43744373-C-T. GRCh37 (hg19) VCF-style: chrX-43603620-C-T.
Other names: c.1045C>T, p.Pro349Ser (NM_001270458.2); short protein forms P349S, P482S.
Identifiers: ClinVar variation 3906805 (VCV003906805.2).
Genomic context (GRCh38, chrX:43,744,373, plus strand): 5'-GTTCCTCCTTGTCAGCATGAGTTTTTTGCTCATGATCTGTGTTCCTTCATCTAGGACGTT[C>T]CAGCGGTAGAAATCACCCACACCTTCTGGGAAAGGAACCTGCCCTCTGTTTCTGGCCTGC-3'
Protein context (NP_000231.1, residues 472-492): WVQEPESKDV[Pro482Ser]AVEITHTFWE